The following is an entry in ClinVar:

ClinVar aggregate classification (germline): Uncertain significance. Review status: criteria provided, multiple submitters, no conflicts (2 of 4 stars). 2 submissions from 2 submitters: Uncertain significance (2). Last evaluated 2024-08-05.

Conditions:
Adams-Oliver syndrome 5 (AOS5). Identifiers: Orphanet 974, MedGen C4014970, MONDO:0014459, OMIM 616028.
Familial thoracic aortic aneurysm and aortic dissection (TAAD). Also called: Thoracic aortic aneurysms and dissections. Identifiers: Orphanet 91387, MedGen C4707243, MONDO:0019625.

Submissions (2):

Ambry Genetics
Classification: Uncertain significance for Familial thoracic aortic aneurysm and aortic dissection. Last evaluated: 2024-08-05. Review status: criteria provided, single submitter. Criteria: Ambry Variant Classification Scheme 2023. Collection method: clinical testing. Allele origin: germline.
Comment: The c.7241_7246dupCACCAC variant (also known as p.P2414_P2415dup), located in coding exon 34 of the NOTCH1 gene, results from an in-frame duplication of CACCAC at nucleotide positions 7241 to 7246. This results in the duplication of 2 extra residues (PP) between codons 2414 and 2415. This amino acid region is not well conserved in available vertebrate species. In addition, this alteration is predicted to be neutral by in silico analysis (Choi Y et al. PLoS ONE. 2012; 7(10):e46688). Based on the available evidence, the clinical significance of this variant remains unclear.

Labcorp Genetics (formerly Invitae), Labcorp
Classification: Uncertain significance for Adams-Oliver syndrome 5. Last evaluated: 2022-08-16. Review status: criteria provided, single submitter. Criteria: Invitae Variant Classification Sherloc (09022015). Collection method: clinical testing. Allele origin: germline.
Comment: This variant is present in population databases (rs762336270, gnomAD 0.006%). This variant, c.7241_7246dup, results in the insertion of 2 amino acid(s) of the NOTCH1 protein (p.Pro2414_Pro2415dup), but otherwise preserves the integrity of the reading frame. This variant has not been reported in the literature in individuals affected with NOTCH1-related conditions. ClinVar contains an entry for this variant (Variation ID: 658767). Experimental studies and prediction algorithms are not available or were not evaluated, and the functional significance of this variant is currently unknown. In summary, the available evidence is currently insufficient to determine the role of this variant in disease. Therefore, it has been classified as a Variant of Uncertain Significance.

NM_017617.5(NOTCH1):c.7232CAC[7] (p.Pro2414_Pro2415dup)

Gene: NOTCH1 (notch receptor 1; minus strand). Cytogenetic location: 9q34.3.
Variant type: Microsatellite.
Coding change: c.7232CAC[7] on transcript NM_017617.5 (MANE Select); seven copies in a row of the 3-base unit CAC starting at c.7232; the reference has five copies in a row; two copies, 6 bases duplicated.
Protein change: p.Pro2414_Pro2415dup.
Molecular consequence: inframe insertion.
Genome position (GRCh38, 1-based): chr9:136,496,493-136,496,498, GTGGTG duplicated on the plus strand (CACCAC on the coding strand, the reverse complement: NOTCH1 is on the minus strand); duplicating any 6 consecutive bases within chr9:136,496,493-136,496,508 gives the same sequence; the position shown is the placement nearest the transcript's 3' end. VCF-style (leftmost placement, unchanged base first): chr9-136496492-T-TGTGGTG. GRCh37 (hg19) VCF-style: chr9-139390944-T-TGTGGTG.
Other names: c.7241_7246dupCACCAC (NM_017617.3).
Identifiers: ClinVar variation 658767 (VCV000658767.9), dbSNP rs762336270, ClinGen allele CA5339716.